The following is an entry in ClinVar:

ClinVar aggregate classification (germline): Uncertain significance (1 of 4 stars; one submission).

Submission:

Labcorp Genetics (formerly Invitae), Labcorp
Classification: Uncertain significance. Last evaluated: 2024-02-22. Review status: criteria provided, single submitter. Criteria: Invitae Variant Classification Sherloc (09022015). Collection method: clinical testing. Allele origin: germline.
Comment: This sequence change replaces cysteine, which is neutral and slightly polar, with phenylalanine, which is neutral and non-polar, at codon 1004 of the USH2A protein (p.Cys1004Phe). This variant is not present in population databases (gnomAD no frequency). This variant has not been reported in the literature in individuals affected with USH2A-related conditions. Advanced modeling of protein sequence and biophysical properties (such as structural, functional, and spatial information, amino acid conservation, physicochemical variation, residue mobility, and thermodynamic stability) performed at Invitae indicates that this missense variant is expected to disrupt USH2A protein function with a positive predictive value of 95%. Algorithms developed to predict the effect of sequence changes on RNA splicing suggest that this variant may create or strengthen a splice site. In summary, the available evidence is currently insufficient to determine the role of this variant in disease. Therefore, it has been classified as a Variant of Uncertain Significance.

NM_206933.4(USH2A):c.3011G>T (p.Cys1004Phe)

Genes: USH2A (usherin; minus strand), USH2A-AS1 (USH2A antisense RNA 1; plus strand). Cytogenetic location: 1q41.
Variant type: single nucleotide variant.
Coding change: c.3011G>T on transcript NM_206933.4 (MANE Select); coding-DNA position 3011, G replaced by T.
Protein change: p.Cys1004Phe; replaces cysteine 1004 with phenylalanine.
Molecular consequence: missense variant.
Genome position (GRCh38, 1-based): chr1:216,217,533, C>A on the plus strand (G>T on the coding strand, the complement: USH2A is on the minus strand). VCF-style: chr1-216217533-C-A. GRCh37 (hg19) VCF-style: chr1-216390875-C-A.
Other names: c.3011G>T, p.Cys1004Phe (NM_007123.6); short protein forms C1004F.
Identifiers: ClinVar variation 3633764 (VCV003633764.2).